The following is an entry in ClinVar:

NM_001378454.1(ALMS1):c.12362+18A>T

Gene: ALMS1 (ALMS1 centrosome and basal body associated protein; plus strand). Cytogenetic location: 2p13.1.
Variant type: single nucleotide variant.
Coding change: c.12362+18A>T on transcript NM_001378454.1 (MANE Select); 18 bases into the intron after coding-DNA position 12362, A replaced by T.
Molecular consequence: intron variant.
Genome position (GRCh38, 1-based): chr2:73,603,322, A>T. VCF-style: chr2-73603322-A-T. GRCh37 (hg19) VCF-style: chr2-73830449-A-T.
Other names: c.12362+18A>T (NM_015120.4); c.12365+18A>T (NM_015120.4).
Identifiers: ClinVar variation 552612 (VCV000552612.11), dbSNP rs535484933, ClinGen allele CA1715543.
Genomic context (GRCh38, chr2:73,603,322, plus strand): 5'-ACAAGCCTATCAGCAAGAAGGAAATGATTCAGAGGTCCAAACGGTAAGACCAAGAAAACA[A>T]GAGTACGTATACAAGTGTAAACCAGGCCACCAAGTGGTCGGGAGCTCTGGCTTGCACCCA-3'

ClinVar aggregate classification (germline): Benign/Likely benign. Review status: criteria provided, multiple submitters, no conflicts (2 of 4 stars). 4 submissions from 4 submitters: Benign (2); Likely benign (1). 1 of the submissions does not count toward it. Last evaluated 2026-02-03.

Conditions:
Alstrom syndrome (ALMS). Identifiers: Orphanet 64, MedGen C0268425, MONDO:0008763, OMIM 203800.

Allele frequency attached by ClinVar (database versions not stated): gnomAD exomes 0.00038 and 0.00107; ExAC 0.00137; 1000 Genomes Project 0.00419; gnomAD 0.00488 and 0.00525; TOPMed 0.00551.
gnomAD v4.1: 1,315 of 1,612,896 alleles (0.082%); highest among the groups gnomAD compares: African/African-American, 1.6%; 13 homozygotes.

Submissions (4):

Labcorp Genetics (formerly Invitae), Labcorp
Classification: Benign for Alstrom syndrome. Last evaluated: 2026-02-03. Review status: criteria provided, single submitter. Criteria: Invitae Variant Classification Sherloc (09022015). Collection method: clinical testing. Allele origin: germline.

Women's Health and Genetics/Laboratory Corporation of America, LabCorp
Classification: Benign. Last evaluated: 2020-09-24. Review status: criteria provided, single submitter. Criteria: LabCorp Variant Classification Summary - May 2015. Collection method: clinical testing. Allele origin: germline.
Comment: Variant summary: ALMS1 c.12359+18A>T (aka c.12365+18A>T) alters a non-conserved nucleotide located close to a canonical splice site and therefore could affect mRNA splicing, leading to a significantly altered protein sequence. 4/4 computational tools predict no significant impact on normal splicing. However, these predictions have yet to be confirmed by functional studies. The variant allele was found at a frequency of 0.0011 in 250814 control chromosomes, predominantly at a frequency of 0.015 within the African or African-American subpopulation in the gnomAD database, including 3 homozygotes. The observed variant frequency within African or African-American control individuals in the gnomAD database is approximately 8 fold of the estimated maximal expected allele frequency for a pathogenic variant in ALMS1 causing Alstrom Syndrome with Dilated Cardiomyopathy phenotype (0.0018), strongly suggesting that the variant is a benign polymorphism found primarily in populations of African or African-American origin. To our knowledge, no occurrence of c.12359+18A>T in individuals affected with Alstrom Syndrome with Dilated Cardiomyopathy and no experimental evidence demonstrating its impact on protein function have been reported. Two ClinVar submitters (evaluation after 2014) cite the variant as likely benign. Based on the evidence outlined above, the variant was classified as benign.

GeneDx
Classification: Likely benign. Last evaluated: 2018-06-14. Review status: criteria provided, single submitter. Criteria: GeneDx Variant Classification (06012015). Collection method: clinical testing. Allele origin: germline. Affected: yes.
Comment: This variant is considered likely benign or benign based on one or more of the following criteria: it is a conservative change, it occurs at a poorly conserved position in the protein, it is predicted to be benign by multiple in silico algorithms, and/or has population frequency not consistent with disease.

Counsyl
Classification: Likely benign for Alstrom syndrome. Last evaluated: 2017-06-22. Review status: no assertion criteria provided. Collection method: clinical testing. Allele origin: unknown. Not counted in ClinVar's aggregate classification.